The following is an entry in ClinVar:

NM_152419.3(HGSNAT):c.852-1G>A

Gene: HGSNAT (heparan-alpha-glucosaminide N-acetyltransferase; plus strand). Cytogenetic location: 8p11.21.
Variant type: single nucleotide variant.
Coding change: c.852-1G>A on transcript NM_152419.3 (MANE Select); the canonical splice acceptor site of the intron before coding-DNA position 852, G replaced by A.
Molecular consequence: splice acceptor variant. On other transcripts: intron variant (1).
Genome position (GRCh38, 1-based): chr8:43,178,073, G>A. VCF-style: chr8-43178073-G-A. GRCh37 (hg19) VCF-style: chr8-43033216-G-A.
Other names: c.852-1G>A (NM_001363227.2); c.-13-1G>A (NM_001363229.2); c.821-4072G>A (NM_001363228.2).
Identifiers: ClinVar variation 556501 (VCV000556501.10), dbSNP rs1447092074, ClinGen allele CA371116836.
Genomic context (GRCh38, chr8:43,178,073, plus strand): 5'-TACTGATATATAGACAAAAAATTTGGAAATGGCCACCTATTAATAACTAGATTCTTTTTA[G>A]GTTTGTATTTATTATGGGATCTTCCATTTTTCTATCGATGACTTCTATACTGCAACGGGG-3'

ClinVar aggregate classification (germline): Pathogenic. Review status: criteria provided, multiple submitters, no conflicts (2 of 4 stars). 4 submissions from 4 submitters: Pathogenic (3). 1 of the submissions does not count toward it. Last evaluated 2025-10-03.

Conditions:
Mucopolysaccharidosis, MPS-III-C (MPS3C). Also called: MPS IIIC (Sanfilippo Syndrome Type C); MPS III C; MUCOPOLYSACCHARIDOSIS, TYPE IIIC; SANFILIPPO SYNDROME C; Mucopolysaccharidosis type IIIC (Sanfilippo C); mucopolysaccharidosis type 3C. Identifiers: Orphanet 581, Orphanet 79271, MedGen C0086649, MONDO:0009657, OMIM 252930.
Retinitis pigmentosa 73 (RP73). Identifiers: Orphanet 791, MedGen C4225287, MONDO:0014687, OMIM 616544.

Allele frequency attached by ClinVar (database versions not stated): gnomAD exomes below 0.00001.
gnomAD v4.1: 1 of 1,612,726 alleles (0.000062%); highest among the groups gnomAD compares: Non-Finnish European, 0.000085%; no homozygotes.

Submissions (4):

Labcorp Genetics (formerly Invitae), Labcorp
Classification: Pathogenic for Retinitis pigmentosa 73; Mucopolysaccharidosis, MPS-III-C. Last evaluated: 2025-10-03. Review status: criteria provided, single submitter. Criteria: Invitae Variant Classification Sherloc (09022015). Collection method: clinical testing. Allele origin: germline.
Comment: This sequence change affects an acceptor splice site in intron 9 of the HGSNAT gene. It is expected to disrupt RNA splicing. Variants that disrupt the donor or acceptor splice site typically lead to a loss of protein function (PMID: 16199547), and loss-of-function variants in HGSNAT are known to be pathogenic (PMID: 17033958, 19479962, 25859010). This variant is present in population databases (no rsID available, gnomAD 0.0009%). Disruption of this splice site has been observed in individual(s) with mucopolysaccharidosis (PMID: 17397050, 30809705). ClinVar contains an entry for this variant (Variation ID: 556501). Algorithms developed to predict the effect of sequence changes on RNA splicing suggest that this variant may disrupt the consensus splice site. For these reasons, this variant has been classified as Pathogenic.

Natera, Inc.
Classification: Pathogenic for Mucopolysaccharidosis type IIIC. Last evaluated: 2025-03-17. Review status: criteria provided, single submitter. Criteria: Natera Variant Classification Schema (03/2026). Collection method: clinical testing. Allele origin: germline.
Comment: The c.852-1G>A variant in HGSNAT is a canonical splice acceptor site variant predicted to affect pre-mRNA splicing, which may result in an abnormal transcript and altered protein product. This variant is expected to result in nonsense mediated decay, truncation, or a dysfunctional protein product. This variant is rare in the general population with a frequency below the threshold expected for the associated phenotype(s). This variant has been observed in one or more individuals affected with the associated recessive disease, as either homozygous or compound heterozygous with a second variant (PMID: 31319225, 34349725). Additionally, this variant has been observed to segregate in affected family members (PMID: 34349725). Given the available evidence, this variant is classified as Pathogenic.

Laboratory of Diagnosis and Therapy of Lysosomal Disorders, University of Padova
Classification: Pathogenic for Mucopolysaccharidosis, MPS-III-C. Last evaluated: 2019-01-01. Review status: criteria provided, single submitter. Criteria: ACMG Guidelines, 2015. Collection method: literature only. Allele origin: germline. Affected: yes.
Comment: PVS1: splicing site (-1). PP1: Cosegregation with disease in multiple affected family members. PM2: Very low frequency in ExAC

Counsyl
Classification: Pathogenic for Mucopolysaccharidosis, MPS-III-C. Last evaluated: 2018-02-02. Review status: no assertion criteria provided. Collection method: clinical testing. Allele origin: unknown. Not counted in ClinVar's aggregate classification.

Literature cited by the submitters: PubMed 16199547 (cited by Labcorp Genetics (formerly Invitae), Labcorp); PubMed 17033958 (cited by Labcorp Genetics (formerly Invitae), Labcorp); PubMed 19479962 (cited by Labcorp Genetics (formerly Invitae), Labcorp); PubMed 25859010 (cited by Labcorp Genetics (formerly Invitae), Labcorp); PubMed 17397050 (cited by 3 submitters); PubMed 30809705 (cited by Labcorp Genetics (formerly Invitae), Labcorp and Laboratory of Diagnosis and Therapy of Lysosomal Disorders, University of Padova); PubMed 31319225 (cited by Natera, Inc.); PubMed 34349725 (cited by Natera, Inc.).